The following is an entry in ClinVar:

NM_001605.3(AARS1):c.1301T>A (p.Leu434Gln)

Gene: AARS1 (alanyl-tRNA synthetase 1; minus strand). Cytogenetic location: 16q22.1.
Variant type: single nucleotide variant.
Coding change: c.1301T>A on transcript NM_001605.3 (MANE Select); coding-DNA position 1301, T replaced by A.
Protein change: p.Leu434Gln; replaces leucine 434 with glutamine.
Molecular consequence: missense variant.
Genome position (GRCh38, 1-based): chr16:70,265,584, A>T on the plus strand (T>A on the coding strand, the complement: AARS1 is on the minus strand). VCF-style: chr16-70265584-A-T. GRCh37 (hg19) VCF-style: chr16-70299487-A-T.
Other names: short protein forms L434Q.
Identifiers: ClinVar variation 1036867 (VCV001036867.8), dbSNP rs1960243047, ClinGen allele CA396561986.

ClinVar aggregate classification (germline): Uncertain significance (1 of 4 stars; one submission).

Conditions:
Charcot-Marie-Tooth disease type 2. Also called: Charcot-Marie-Tooth type 2. Identifiers: Orphanet 64746, MedGen C0270914, MONDO:0018993.

Submission:

Labcorp Genetics (formerly Invitae), Labcorp
Classification: Uncertain significance for Charcot-Marie-Tooth disease type 2. Last evaluated: 2020-09-03. Review status: criteria provided, single submitter. Criteria: Invitae Variant Classification Sherloc (09022015). Collection method: clinical testing. Allele origin: germline.
Comment: This sequence change replaces leucine with glutamine at codon 434 of the AARS protein (p.Leu434Gln). The leucine residue is moderately conserved and there is a moderate physicochemical difference between leucine and glutamine. Algorithms developed to predict the effect of missense changes on protein structure and function are either unavailable or do not agree on the potential impact of this missense change (SIFT: "Deleterious"; PolyPhen-2: "Possibly Damaging"; Align-GVGD: "Class C0"). This variant has not been reported in the literature in individuals with AARS-related conditions. This variant is not present in population databases (ExAC no frequency). In summary, the available evidence is currently insufficient to determine the role of this variant in disease. Therefore, it has been classified as a Variant of Uncertain Significance.